The following is an entry in ClinVar:

ClinVar aggregate classification (germline): Pathogenic (1 of 4 stars; one submission).

Submission:

ISCA Site 6
Classification: Pathogenic. Last evaluated: 2011-08-12. Review status: criteria provided, single submitter. Criteria: Kaminsky et al. (Genet Med. 2011). Collection method: clinical testing. Allele origin: unknown. Affected: yes. Observed: 1 variant allele.
Comment: Copy number variation identified through the course of routine clinical cytogenomic testing in postnatal populations. Clinical assertions have been curated as described in Kaminsky et al. 2011.

GRCh38/hg38 15q11.2-13.2(chr15:22144677-30349193)x1

Genes: APBA2 (amyloid beta precursor protein binding family A member 2; plus strand), ATP10A (ATPase phospholipid transporting 10A (putative); minus strand), ATP10A-DT (ATP10A divergent transcript; plus strand), CYFIP1 (cytoplasmic FMR1 interacting protein 1; minus strand), ENTREP2 (endosomal transmembrane epsin interactor 2; minus strand) and 194 more. Cytogenetic location: 15q11.2-13.2.
Variant type: copy number loss.
Change: copy number 1 (one copy instead of two) of chr15:22,144,677-30,349,193 (8.20 Mb, GRCh38 coordinates, 1-based), cytogenetic band 15q11.2-13.2.
Identifiers: ClinVar variation 58577 (VCV000058577.2).